The following is an entry in ClinVar:

NM_012293.3(PXDN):c.632C>T (p.Ala211Val)

Gene: PXDN (peroxidasin; minus strand). Cytogenetic location: 2p25.3.
Variant type: single nucleotide variant.
Coding change: c.632C>T on transcript NM_012293.3 (MANE Select); coding-DNA position 632, C replaced by T.
Protein change: p.Ala211Val; replaces alanine 211 with valine.
Molecular consequence: missense variant.
Genome position (GRCh38, 1-based): chr2:1,680,291, G>A on the plus strand (C>T on the coding strand, the complement: PXDN is on the minus strand). VCF-style: chr2-1680291-G-A. GRCh37 (hg19) VCF-style: chr2-1684063-G-A.
Other names: c.632C>T (NM_012293.1); short protein forms A211V.
Identifiers: ClinVar variation 2054998 (VCV002054998.6), dbSNP rs187946539, ClinGen allele CA1513589.

ClinVar aggregate classification (germline): Uncertain significance. Review status: criteria provided, multiple submitters, no conflicts (2 of 4 stars). 2 submissions from 2 submitters: Uncertain significance (2). Last evaluated 2025-08-01.

Conditions:
Anterior segment dysgenesis 7 (ASGD7). Also called: Anterior segment dysgenesis 7, with sclerocornea; SCLEROCORNEA WITH OTHER OCULAR ANOMALIES. Identifiers: Orphanet 289499, MedGen C3151617, MONDO:0010015, OMIM 269400.
Inborn genetic diseases. Identifiers: MedGen C0950123, MeSH D030342.

Allele frequency attached by ClinVar (database versions not stated): gnomAD exomes 0.00006; ExAC 0.00014; 1000 Genomes Project 0.00040; 1000 Genomes Project 30x 0.00047; gnomAD 0.00048; TOPMed 0.00051; ESP Exome Variant Server 0.00062.
gnomAD v4.1: 157 of 1,613,978 alleles (0.0097%); highest among the groups gnomAD compares: African/African-American, 0.14%; no homozygotes.

Submissions (2):

Ambry Genetics
Classification: Uncertain significance for Inborn genetic diseases. Last evaluated: 2025-08-01. Review status: criteria provided, single submitter. Criteria: Ambry Variant Classification Scheme 2023. Collection method: clinical testing. Allele origin: germline.

Labcorp Genetics (formerly Invitae), Labcorp
Classification: Uncertain significance for Anterior segment dysgenesis 7. Last evaluated: 2024-09-06. Review status: criteria provided, single submitter. Criteria: Invitae Variant Classification Sherloc (09022015). Collection method: clinical testing. Allele origin: germline.
Comment: This sequence change replaces alanine, which is neutral and non-polar, with valine, which is neutral and non-polar, at codon 211 of the PXDN protein (p.Ala211Val). This variant is present in population databases (rs187946539, gnomAD 0.1%). This variant has not been reported in the literature in individuals affected with PXDN-related conditions. ClinVar contains an entry for this variant (Variation ID: 2054998). An algorithm developed to predict the effect of missense changes on protein structure and function (PolyPhen-2) suggests that this variant¬†is likely to be tolerated. In summary, the available evidence is currently insufficient to determine the role of this variant in disease. Therefore, it has been classified as a Variant of Uncertain Significance.